The following is an entry in ClinVar:

ClinVar aggregate classification (germline): Uncertain significance (1 of 4 stars; one submission).

Allele frequency attached by ClinVar (database versions not stated): gnomAD exomes below 0.00001; ExAC 0.00001.
gnomAD v4.1: 1 of 1,614,142 alleles (0.000062%); highest among the groups gnomAD compares: Non-Finnish European, 0.000085%; no homozygotes.

Submission:

Labcorp Genetics (formerly Invitae), Labcorp
Classification: Uncertain significance. Last evaluated: 2024-02-05. Review status: criteria provided, single submitter. Criteria: Invitae Variant Classification Sherloc (09022015). Collection method: clinical testing. Allele origin: germline.
Comment: This sequence change replaces glutamine, which is neutral and polar, with histidine, which is basic and polar, at codon 3045 of the KMT2A protein (p.Gln3045His). This variant is present in population databases (rs782130840, gnomAD 0.002%). This variant has not been reported in the literature in individuals affected with KMT2A-related conditions. Advanced modeling of protein sequence and biophysical properties (such as structural, functional, and spatial information, amino acid conservation, physicochemical variation, residue mobility, and thermodynamic stability) performed at Invitae indicates that this missense variant is not expected to disrupt KMT2A protein function with a negative predictive value of 95%. In summary, the available evidence is currently insufficient to determine the role of this variant in disease. Therefore, it has been classified as a Variant of Uncertain Significance.

NM_001197104.2(KMT2A):c.9135G>C (p.Gln3045His)

Gene: KMT2A (lysine methyltransferase 2A; plus strand). Cytogenetic location: 11q23.3.
Variant type: single nucleotide variant.
Coding change: c.9135G>C on transcript NM_001197104.2 (MANE Select); coding-DNA position 9135, G replaced by C.
Protein change: p.Gln3045His; replaces glutamine 3045 with histidine.
Molecular consequence: missense variant.
Genome position (GRCh38, 1-based): chr11:118,505,027, G>C. VCF-style: chr11-118505027-G-C. GRCh37 (hg19) VCF-style: chr11-118375742-G-C.
Other names: c.9225G>C, p.Gln3075His (NM_001412597.1); c.9126G>C, p.Gln3042His (NM_005933.4); short protein forms Q3045H, Q3042H, Q3075H.
Identifiers: ClinVar variation 2790550 (VCV002790550.3), dbSNP rs782130840, ClinGen allele CA6304555.